The following is an entry in ClinVar:

NM_006231.4(POLE):c.1021-20C>G

Gene: POLE (DNA polymerase epsilon, catalytic subunit; minus strand). Cytogenetic location: 12q24.33.
Variant type: single nucleotide variant.
Coding change: c.1021-20C>G on transcript NM_006231.4 (MANE Select); 20 bases into the intron before coding-DNA position 1021, C replaced by G.
Molecular consequence: intron variant.
Genome position (GRCh38, 1-based): chr12:132,675,840, G>C on the plus strand (C>G on the coding strand, the complement: POLE is on the minus strand). VCF-style: chr12-132675840-G-C. GRCh37 (hg19) VCF-style: chr12-133252426-G-C.
Identifiers: ClinVar variation 422985 (VCV000422985.9), dbSNP rs1064796140, ClinGen allele CA16619479.

ClinVar aggregate classification (germline): Conflicting classifications of pathogenicity. Review status: criteria provided, conflicting classifications (1 of 4 stars). 2 submissions from 2 submitters: Uncertain significance (1); Likely benign (1). Last evaluated 2026-01-18.

Submissions (2):

Labcorp Genetics (formerly Invitae), Labcorp
Classification: Likely benign. Last evaluated: 2026-01-18. Review status: criteria provided, single submitter. Criteria: Invitae Variant Classification Sherloc (09022015). Collection method: clinical testing. Allele origin: germline.

GeneDx
Classification: Uncertain significance. Last evaluated: 2016-12-28. Review status: criteria provided, single submitter. Criteria: GeneDx Variant Classification (06012015). Collection method: clinical testing. Allele origin: germline. Affected: yes.
Comment: This variant is denoted POLE c.1021-20C>G or IVS10-20C>G and consists of a C>G nucleotide substitution at the -20 position of intron 10 of the POLE gene. In silico splicing models are inconsistent regarding the effect this variant may have on gene splicing and in the absence of RNA or functional studies, the actual effect of this variant is unknown. This variant has not, to our knowledge, been published in the literature as pathogenic or benign. POLE c.1021-20C>G was not observed in approximately 6,500 individuals of European and African American ancestry in the NHLBI Exome Sequencing Project, suggesting it is not a common benign variant in these populations. The cytosine (C) nucleotide that is altered is not conserved across species. Based on currently available information, it is unclear whether POLE c.1021-20C>G is pathogenic or benign. We consider it to be a variant of uncertain significance.